The following is an entry in ClinVar:

NM_152383.5(DIS3L2):c.1714A>G (p.Ile572Val)

Gene: DIS3L2 (DIS3 like 3'-5' exoribonuclease 2; plus strand). Cytogenetic location: 2q37.1.
Variant type: single nucleotide variant.
Coding change: c.1714A>G on transcript NM_152383.5 (MANE Select); coding-DNA position 1714, A replaced by G.
Protein change: p.Ile572Val; replaces isoleucine 572 with valine.
Molecular consequence: missense variant. On other transcripts: non-coding transcript variant (2), intron variant (1).
Genome position (GRCh38, 1-based): chr2:232,300,094, A>G. VCF-style: chr2-232300094-A-G. GRCh37 (hg19) VCF-style: chr2-233164804-A-G.
Other names: c.1581+36732A>G (NM_001257281.2); short protein forms I572V.
Identifiers: ClinVar variation 2917938 (VCV002917938.3), dbSNP rs2470146101, ClinGen allele CA350978654.
Genomic context (GRCh38, chr2:232,300,094, plus strand): 5'-CTTCAGCTAAAGCTTGCTTTCACTCTGGACCACGAGACCGGATTGCCTCAAGGATGTCAT[A>G]TCTATGAGTACCGCGAGAGCAACAAGTAAGCCACTCAGTGGGAAAGAGTGTCACTTCACA-3'
Protein context (NP_689596.4, residues 562-582): HETGLPQGCH[Ile572Val]YEYRESNKLV

ClinVar aggregate classification (germline): Uncertain significance (1 of 4 stars; one submission).

Conditions:
Perlman syndrome (PRLMNS). Identifiers: Orphanet 2849, MedGen C0796113, MONDO:0009965, OMIM 267000.

Submission:

Labcorp Genetics (formerly Invitae), Labcorp
Classification: Uncertain significance for Perlman syndrome. Last evaluated: 2023-06-09. Review status: criteria provided, single submitter. Criteria: Invitae Variant Classification Sherloc (09022015). Collection method: clinical testing. Allele origin: germline.
Comment: This sequence change replaces isoleucine, which is neutral and non-polar, with valine, which is neutral and non-polar, at codon 572 of the DIS3L2 protein (p.Ile572Val). This variant is not present in population databases (gnomAD no frequency). This variant has not been reported in the literature in individuals affected with DIS3L2-related conditions. Advanced modeling of protein sequence and biophysical properties (such as structural, functional, and spatial information, amino acid conservation, physicochemical variation, residue mobility, and thermodynamic stability) performed at Invitae indicates that this missense variant is not expected to disrupt DIS3L2 protein function. In summary, the available evidence is currently insufficient to determine the role of this variant in disease. Therefore, it has been classified as a Variant of Uncertain Significance.